The following is an entry in ClinVar:

ClinVar aggregate classification (germline): Conflicting classifications of pathogenicity. Review status: criteria provided, conflicting classifications (1 of 4 stars). 4 submissions from 4 submitters: Likely pathogenic (1); Uncertain significance (2). 1 of the submissions does not count toward it. Last evaluated 2024-12-16.

Conditions:
Nephronophthisis 13 (NPHP13). Identifiers: Orphanet 655, MedGen C3280612, MONDO:0013718, OMIM 614377.
Senior-Loken syndrome 8 (SLSN8). Identifiers: Orphanet 3156, MedGen C4225376, MONDO:0014579, OMIM 616307.
Asphyxiating thoracic dystrophy 5 (SRTD5). Also called: SHORT-RIB THORACIC DYSPLASIA 5 WITH OR WITHOUT POLYDACTYLY; SHORT-RIB THORACIC DYSPLASIA 5 WITHOUT POLYDACTYLY. Identifiers: Orphanet 474, MedGen C3280598, MONDO:0013717, OMIM 614376.

Allele frequency attached by ClinVar (database versions not stated): ExAC 0.00001; gnomAD 0.00001; TOPMed 0.00002.
gnomAD v4.1: 5 of 1,609,592 alleles (0.00031%); highest among the groups gnomAD compares: African/African-American, 0.0013%; no homozygotes.

Submissions (4):

Labcorp Genetics (formerly Invitae), Labcorp
Classification: Uncertain significance for Senior-Loken syndrome 8; Asphyxiating thoracic dystrophy 5. Last evaluated: 2024-12-16. Review status: criteria provided, single submitter. Criteria: Invitae Variant Classification Sherloc (09022015). Collection method: clinical testing. Allele origin: germline.
Comment: This sequence change replaces aspartic acid, which is acidic and polar, with histidine, which is basic and polar, at codon 493 of the WDR19 protein (p.Asp493His). This variant is present in population databases (rs587777349, gnomAD 0.0009%). This missense change has been observed in individuals with WDR19-related conditions (PMID: 23559409, 33532864; internal data). ClinVar contains an entry for this variant (Variation ID: 127155). Invitae Evidence Modeling of protein sequence and biophysical properties (such as structural, functional, and spatial information, amino acid conservation, physicochemical variation, residue mobility, and thermodynamic stability) indicates that this missense variant is not expected to disrupt WDR19 protein function with a negative predictive value of 80%. In summary, the available evidence is currently insufficient to determine the role of this variant in disease. Therefore, it has been classified as a Variant of Uncertain Significance.

Molecular Biology Laboratory, Fundació Puigvert
Classification: Likely pathogenic for Nephronophthisis 13. Last evaluated: 2020-02-01. Review status: criteria provided, single submitter. Criteria: ACMG Guidelines, 2015. Collection method: research. Allele origin: germline. Affected: yes. Study: KidneyPanel_2020.

GeneDx
Classification: Uncertain significance. Last evaluated: 2019-05-08. Review status: criteria provided, single submitter. Criteria: GeneDx Variant Classification Process June 2021. Collection method: clinical testing. Allele origin: germline. Affected: yes.
Comment: Not observed at a significant frequency in large population cohorts (Lek et al., 2016); In silico analysis, which includes protein predictors and evolutionary conservation, supports a deleterious effect; Identified in the heterozygous state in a patient with nonsyndromic retinitis pigmentosa, however, this individual was also homozygous for another variant in WDR19 (Coussa et al., 2013); This variant is associated with the following publications: (PMID: 23559409, 23683095, 31589614)

OMIM
Classification: Pathogenic for SENIOR-LOKEN SYNDROME 8. Last evaluated: 2013-08-01. Review status: no assertion criteria provided. Collection method: literature only. Allele origin: germline. Not counted in ClinVar's aggregate classification.

Literature cited by the submitters: PubMed 23559409 (cited by Labcorp Genetics (formerly Invitae), Labcorp and OMIM); PubMed 33532864 (cited by Labcorp Genetics (formerly Invitae), Labcorp and Molecular Biology Laboratory, Fundació Puigvert); PubMed 23683095 (cited by OMIM).

NM_025132.4(WDR19):c.1477G>C (p.Asp493His)

Gene: WDR19 (WD repeat domain 19; plus strand). Cytogenetic location: 4p14.
Variant type: single nucleotide variant.
Coding change: c.1477G>C on transcript NM_025132.4 (MANE Select); coding-DNA position 1477, G replaced by C.
Protein change: p.Asp493His; replaces aspartic acid 493 with histidine.
Molecular consequence: missense variant.
Genome position (GRCh38, 1-based): chr4:39,218,103, G>C. VCF-style: chr4-39218103-G-C. GRCh37 (hg19) VCF-style: chr4-39219723-G-C.
Other names: c.997G>C, p.Asp333His (NM_001317924.2); short protein forms D493H, D333H.
Identifiers: ClinVar variation 127155 (VCV000127155.8), dbSNP rs587777349, ClinGen allele CA151406.
Genomic context (GRCh38, chr4:39,218,103, plus strand): 5'-GATGATAAGTGCCGTATCTTATGCCATGCCTTAACTAGTGATTTCCTCATCTATGGTACA[G>C]ATGTATGTATTGCCTTCTTTTTTAGAGAACACTGGGAATTTTTAATTTTTATTTTGTGAT-3'
Protein context (NP_079408.3, residues 483-503): LTSDFLIYGT[Asp493His]TGVVQYFYIE